The following is an entry in ClinVar:

ClinVar aggregate classification (germline): Uncertain significance (1 of 4 stars; one submission).

Conditions:
Hereditary spherocytosis type 2. Also called: SPHEROCYTOSIS, TYPE 2, AUTOSOMAL DOMINANT. Identifiers: Orphanet 822, MedGen C2674219, MONDO:0000913, OMIM 616649.

Allele frequency attached by ClinVar (database versions not stated): ExAC 0.00001; gnomAD exomes 0.00001; TOPMed 0.00001.
gnomAD v4.1: 17 of 1,607,370 alleles (0.0011%); highest among the groups gnomAD compares: South Asian, 0.014%; no homozygotes.

Submission:

Neuberg Centre For Genomic Medicine, NCGM
Classification: Uncertain significance for Hereditary spherocytosis type 2. Last evaluated: 2023-03-01. Review status: criteria provided, single submitter. Criteria: ACMG Guidelines, 2015. Collection method: clinical testing. Allele origin: germline. Inheritance: Autosomal dominant inheritance. Affected: yes.
Comment: The missense c.2401C>T (p.His801Tyr) variant in SPTB gene has not been reported previously as a pathogenic variant nor as a benign variant, to our knowledge. The p.His801Tyr variant is reported with an allele frequency of 0.002% in the gnomAD exomes database and is novel (not in any individuals) in 1000 Genomes database. This variant has not been reported to the ClinVar database. The amino acid change p.His801Tyr in SPTB is predicted as conserved by GERP++. The amino acid His at position 801 is changed to a Tyr changing protein sequence and it might alter its composition and physico-chemical properties. For these reasons, this variant has been classified as a Variant of Uncertain Significance (VUS).

NM_001355436.2(SPTB):c.2401C>T (p.His801Tyr)

Gene: SPTB (spectrin beta, erythrocytic; minus strand). Cytogenetic location: 14q23.3.
Variant type: single nucleotide variant.
Coding change: c.2401C>T on transcript NM_001355436.2 (MANE Select); coding-DNA position 2401, C replaced by T.
Protein change: p.His801Tyr; replaces histidine 801 with tyrosine.
Molecular consequence: missense variant.
Genome position (GRCh38, 1-based): chr14:64,793,262, G>A on the plus strand (C>T on the coding strand, the complement: SPTB is on the minus strand). VCF-style: chr14-64793262-G-A. GRCh37 (hg19) VCF-style: chr14-65259980-G-A.
Other names: c.2401C>T, p.His801Tyr (NM_001024858.4, NM_001355437.2); short protein forms H801Y.
Identifiers: ClinVar variation 2671691 (VCV002671691.1), dbSNP rs757201845, ClinGen allele CA7230881.